The following is an entry in ClinVar:

ClinVar aggregate classification (germline): Likely pathogenic (1 of 4 stars; one submission).

Conditions:
Inborn genetic diseases. Identifiers: MedGen C0950123, MeSH D030342.

Submission:

Ambry Genetics
Classification: Likely pathogenic for Inborn genetic diseases. Last evaluated: 2026-05-08. Review status: criteria provided, single submitter. Criteria: Ambry Variant Classification Scheme 2023. Collection method: clinical testing. Allele origin: germline.
Comment: The c.1668delA variant, located in coding exon 8 of the MBD4 gene, results from a deletion of one nucleotide at nucleotide position 1668, causing a translational frameshift with a predicted alternate stop codon (p.K556Nfs*2). This variant occurs at the 3' terminus of the gene, is not expected to trigger nonsense-mediated mRNA decay, and impacts the last 3.3% of the protein. However, premature stop codons are typically deleterious in nature and the impacted region is critical for protein function (Ambry internal data). This variant is considered to be rare based on population cohorts in the Genome Aggregation Database (gnomAD). Based on the majority of available evidence to date, this variant is likely to be pathogenic.

NM_001276270.2(MBD4):c.1668del (p.Lys556fs)

Gene: MBD4 (methyl-CpG binding domain 4, DNA glycosylase; minus strand). Cytogenetic location: 3q21.3.
Variant type: Deletion.
Coding change: c.1668del on transcript NM_001276270.2 (MANE Select); coding-DNA position 1668, one base deleted (A; older notation c.1668delA).
Protein change: p.Lys556fs; shifts the reading frame from lysine 556.
Molecular consequence: frameshift variant. On other transcripts: 3 prime UTR variant (1).
Genome position (GRCh38, 1-based): chr3:129,431,558, T deleted on the plus strand (A on the coding strand, the reverse complement: MBD4 is on the minus strand); the first of 3 consecutive T bases (chr3:129,431,558-129,431,560); deleting any one gives the same sequence. VCF-style (leftmost placement, unchanged base first): chr3-129431557-AT-A. GRCh37 (hg19) VCF-style: chr3-129150400-AT-A.
Other names: c.1668delA (NM_001276270.2); c.*10del (NM_001276272.2); c.732del, p.Lys244fs (NM_001276273.2); c.1686del, p.Lys562fs (NM_003925.3); short protein forms K244fs, K556fs, K562fs.
Identifiers: ClinVar variation 4859599 (VCV004859599.1).